The following is an entry in ClinVar:

NM_201596.3(CACNB2):c.1277C>T (p.Ala426Val)

Gene: CACNB2 (calcium voltage-gated channel auxiliary subunit beta 2; plus strand). Cytogenetic location: 10p12.31.
Variant type: single nucleotide variant.
Coding change: c.1277C>T on transcript NM_201596.3 (MANE Select); coding-DNA position 1277, C replaced by T.
Protein change: p.Ala426Val; replaces alanine 426 with valine.
Molecular consequence: missense variant.
Genome position (GRCh38, 1-based): chr10:18,536,171, C>T. VCF-style: chr10-18536171-C-T. GRCh37 (hg19) VCF-style: chr10-18825100-C-T.
Other names: c.1112C>T, p.Ala371Val (NM_000724.4); c.1079C>T, p.Ala360Val (NM_001167945.2); c.998C>T, p.Ala333Val (NM_001330060.2); c.1019C>T, p.Ala340Val (NM_001410882.1); c.1133C>T, p.Ala378Val (NM_201570.3); c.1193C>T, p.Ala398Val (NM_201571.4); c.1121C>T, p.Ala374Val (NM_201572.4); c.1115C>T, p.Ala372Val (NM_201590.3); and 2 more; short protein forms A398V, A426V, A340V, A360V, A371V, A388V, A333V, A372V.
Identifiers: ClinVar variation 3262848 (VCV003262848.1).

ClinVar aggregate classification (germline): Uncertain significance (1 of 4 stars; one submission).

Conditions:
Cardiovascular phenotype. Identifiers: MedGen CN230736.

gnomAD v4.1: 1 of 1,592,450 alleles (0.000063%); highest among the groups gnomAD compares: East Asian, 0.0023%; no homozygotes.

Submission:

Ambry Genetics
Classification: Uncertain significance for Cardiovascular phenotype. Last evaluated: 2024-06-06. Review status: criteria provided, single submitter. Criteria: Ambry Variant Classification Scheme 2023. Collection method: clinical testing. Allele origin: germline.
Comment: The p.A372V variant (also known as c.1115C>T), located in coding exon 11 of the CACNB2 gene, results from a C to T substitution at nucleotide position 1115. The alanine at codon 372 is replaced by valine, an amino acid with similar properties. This amino acid position is conserved. In addition, this alteration is predicted to be deleterious by in silico analysis. Based on the available evidence, the clinical significance of this variant remains unclear.